The following is an entry in ClinVar:

NM_006949.4(STXBP2):c.1431G>A (p.Pro477=)

Gene: STXBP2 (syntaxin binding protein 2; plus strand). Cytogenetic location: 19p13.2.
Variant type: single nucleotide variant.
Coding change: c.1431G>A on transcript NM_006949.4 (MANE Select); coding-DNA position 1431, G replaced by A.
Protein change: p.Pro477=; no amino-acid change (proline 477 retained).
Molecular consequence: synonymous variant. On other transcripts: non-coding transcript variant (1).
Genome position (GRCh38, 1-based): chr19:7,646,323, G>A. VCF-style: chr19-7646323-G-A. GRCh37 (hg19) VCF-style: chr19-7711209-G-A.
Other names: p.Pro477=; c.1422G>A, p.Pro474= (NM_001127396.3); c.1464G>A, p.Pro488= (NM_001272034.2).
Identifiers: ClinVar variation 798262 (VCV000798262.13), dbSNP rs137978942, ClinGen allele CA9144151.
Genomic context (GRCh38, chr19:7,646,323, plus strand): 5'-CAGCCGGCTGGAGCCGAGAGAACGCATGGAGCCCACCTATCAGCTGTCCCGCTGGACCCC[G>A]GTCATCAAGGATGTAATGGAGGTACTGGGTGGCAGGTCAGGGTGGGGGCCAGCCCTCCGC-3'
Protein context (NP_008880.2, residues 467-487): EPTYQLSRWT[Pro477=]VIKDVMEDAV

ClinVar aggregate classification (germline): Likely benign. Review status: criteria provided, multiple submitters, no conflicts (2 of 4 stars). 4 submissions from 4 submitters: Likely benign (3). 1 of the submissions does not count toward it. Last evaluated 2025-12-06.

Conditions:
STXBP2-related disorder. Also called: STXBP2-related condition.
Familial hemophagocytic lymphohistiocytosis 5. Also called: STXBP2-Related Familial Hemophagocytic Lymphohistiocytosis (STXBP2-fHLH). Identifiers: Orphanet 540, MedGen C2751293, MONDO:0013135, OMIM 613101.

Allele frequency attached by ClinVar (database versions not stated): ExAC 0.00007; ESP Exome Variant Server 0.00015; gnomAD 0.00015 and 0.00017; TOPMed 0.00023; 1000 Genomes Project 30x 0.00078; 1000 Genomes Project 0.00080.
gnomAD v4.1: 56 of 1,610,002 alleles (0.0035%); highest among the groups gnomAD compares: African/African-American, 0.063%; no homozygotes.

Submissions (4):

Labcorp Genetics (formerly Invitae), Labcorp
Classification: Likely benign for Familial hemophagocytic lymphohistiocytosis 5. Last evaluated: 2025-12-06. Review status: criteria provided, single submitter. Criteria: Invitae Variant Classification Sherloc (09022015). Collection method: clinical testing. Allele origin: germline.

Mayo Clinic Laboratories, Mayo Clinic
Classification: Likely benign. Last evaluated: 2024-12-24. Review status: criteria provided, single submitter. Criteria: ACMG Guidelines, 2015. Collection method: clinical testing. Allele origin: germline. Observed: 1 variant allele.
Comment: BP4, BP7

Blueprint Genetics
Classification: Likely benign. Last evaluated: 2022-07-06. Review status: criteria provided, single submitter. Criteria: ACMG Guidelines, 2015. Collection method: clinical testing. Allele origin: germline.

PreventionGenetics, part of Exact Sciences
Classification: Likely benign for STXBP2-related condition. Last evaluated: 2019-03-26. Review status: no assertion criteria provided. Collection method: clinical testing. Allele origin: germline. Not counted in ClinVar's aggregate classification.
Comment: This variant is classified as likely benign based on ACMG/AMP sequence variant interpretation guidelines (Richards et al. 2015 PMID: 25741868, with internal and published modifications).